The following is an entry in ClinVar:

ClinVar aggregate classification (germline): Uncertain significance (1 of 4 stars; one submission).

Conditions:
Cardiovascular phenotype. Identifiers: MedGen CN230736.

Submission:

Ambry Genetics
Classification: Uncertain significance for Cardiovascular phenotype. Last evaluated: 2023-08-11. Review status: criteria provided, single submitter. Criteria: Ambry Variant Classification Scheme 2023. Collection method: clinical testing. Allele origin: germline.
Comment: The p.K226E variant (also known as c.676A>G), located in coding exon 5 of the TBX20 gene, results from an A to G substitution at nucleotide position 676. The lysine at codon 226 is replaced by glutamic acid, an amino acid with similar properties. This amino acid position is conserved. In addition, this alteration is predicted to be deleterious by in silico analysis. Since supporting evidence is limited at this time, the clinical significance of this alteration remains unclear.

NM_001077653.2(TBX20):c.676A>G (p.Lys226Glu)

Gene: TBX20 (T-box transcription factor 20; minus strand). Cytogenetic location: 7p14.2.
Variant type: single nucleotide variant.
Coding change: c.676A>G on transcript NM_001077653.2 (MANE Select); coding-DNA position 676, A replaced by G.
Protein change: p.Lys226Glu; replaces lysine 226 with glutamic acid.
Molecular consequence: missense variant.
Genome position (GRCh38, 1-based): chr7:35,241,016, T>C on the plus strand (A>G on the coding strand, the complement: TBX20 is on the minus strand). VCF-style: chr7-35241016-T-C. GRCh37 (hg19) VCF-style: chr7-35280628-T-C.
Other names: c.676A>G, p.Lys226Glu (NM_001166220.1); short protein forms K226E.
Identifiers: ClinVar variation 2585862 (VCV002585862.2), dbSNP rs2546993249, ClinGen allele CA367264191.